The following is an entry in ClinVar:

NM_001190274.2(FBXO11):c.2335G>A (p.Ala779Thr)

Gene: FBXO11 (F-box protein 11; minus strand). Cytogenetic location: 2p16.3.
Variant type: single nucleotide variant.
Coding change: c.2335G>A on transcript NM_001190274.2 (MANE Select); coding-DNA position 2335, G replaced by A.
Protein change: p.Ala779Thr; replaces alanine 779 with threonine.
Molecular consequence: missense variant.
Genome position (GRCh38, 1-based): chr2:47,810,319, C>T on the plus strand (G>A on the coding strand, the complement: FBXO11 is on the minus strand). VCF-style: chr2-47810319-C-T. GRCh37 (hg19) VCF-style: chr2-48037458-C-T.
Other names: c.2083G>A, p.Ala695Thr (NM_001374325.1, NM_025133.4); short protein forms A695T, A779T.
Identifiers: ClinVar variation 3375764 (VCV003375764.1).
Genomic context (GRCh38, chr2:47,810,319, plus strand): 5'-CATCAAACACTTTGCAGAACTATATATAAGCCACAGGTAAGAAAAGAAAATACAAACCTG[C>T]GGCAAATCCATCAAATATTCTGTTTTTCCTTAAGATTGGATGACTATTAGTGCTGATGAG-3'
Protein context (NP_001177203.1, residues 769-789): RKNRIFDGFA[Ala779Thr]GIEITNHATA

ClinVar aggregate classification (germline): Uncertain significance (1 of 4 stars; one submission).

gnomAD v4.1: 1 of 1,596,302 alleles (0.000063%); highest among the groups gnomAD compares: Non-Finnish European, 0.000086%; no homozygotes.

Submission:

GeneDx
Classification: Uncertain significance. Last evaluated: 2024-05-10. Review status: criteria provided, single submitter. Criteria: GeneDx Variant Classification Process June 2021. Collection method: clinical testing. Allele origin: germline. Affected: yes.
Comment: In silico analysis supports that this missense variant has a deleterious effect on protein structure/function; Not observed at significant frequency in large population cohorts (gnomAD); This variant is associated with the following publications: (PMID: 31838722)